The following is an entry in ClinVar:

ClinVar aggregate classification (germline): Uncertain significance (1 of 4 stars; one submission).

gnomAD v4.1: 1 of 1,533,742 alleles (0.000065%); no homozygotes.

Submission:

Labcorp Genetics (formerly Invitae), Labcorp
Classification: Uncertain significance. Last evaluated: 2021-04-27. Review status: criteria provided, single submitter. Criteria: Invitae Variant Classification Sherloc (09022015). Collection method: clinical testing. Allele origin: germline.
Comment: Algorithms developed to predict the effect of missense changes on protein structure and function are either unavailable or do not agree on the potential impact of this missense change (SIFT: "Tolerated"; PolyPhen-2: "Possibly Damaging"; Align-GVGD: "Class C0"). In summary, the available evidence is currently insufficient to determine the role of this variant in disease. Therefore, it has been classified as a Variant of Uncertain Significance. This sequence change replaces isoleucine with valine at codon 186 of the SBF1 protein (p.Ile186Val). The isoleucine residue is moderately conserved and there is a small physicochemical difference between isoleucine and valine. The frequency data for this variant in the population databases is considered unreliable, as metrics indicate insufficient coverage at this position in the ExAC database. This variant has not been reported in the literature in individuals with SBF1-related conditions.

NM_002972.4(SBF1):c.556A>G (p.Ile186Val)

Gene: SBF1 (SET binding factor 1; minus strand). Cytogenetic location: 22q13.33.
Variant type: single nucleotide variant.
Coding change: c.556A>G on transcript NM_002972.4 (MANE Select); coding-DNA position 556, A replaced by G.
Protein change: p.Ile186Val; replaces isoleucine 186 with valine.
Molecular consequence: missense variant.
Genome position (GRCh38, 1-based): chr22:50,466,704, T>C on the plus strand (A>G on the coding strand, the complement: SBF1 is on the minus strand). VCF-style: chr22-50466704-T-C. GRCh37 (hg19) VCF-style: chr22-50905133-T-C.
Other names: c.559A>G, p.Ile187Val (NM_001365819.1); short protein forms I186V, I187V.
Identifiers: ClinVar variation 1508771 (VCV001508771.8), dbSNP rs2148602570, ClinGen allele CA412222247.